The following is an entry in ClinVar:

ClinVar aggregate classification (germline): Likely pathogenic (1 of 4 stars; one submission).

Conditions:
Anauxetic dysplasia. Identifiers: Orphanet 93347, MedGen C1846796, MONDO:0011773.

Submission:

Labcorp Genetics (formerly Invitae), Labcorp
Classification: Likely pathogenic for Anauxetic dysplasia. Last evaluated: 2020-07-09. Review status: criteria provided, single submitter. Criteria: Invitae Variant Classification Sherloc (09022015). Collection method: clinical testing. Allele origin: germline.
Comment: While this particular variant has not been reported in the literature, it is located in the promoter region between the TATA box and the transcription initiation site, and other insertions and duplications immediately upstream of the coding sequence have been reported in individuals affected with cartilage-hair hypoplasia-anauxetic dysplasia (CHH-AD) spectrum disorders (PMID: 16244706, 11207361, 12107819). The frequency data for this variant in the population databases is considered unreliable, as metrics indicate insufficient coverage at this position in the ExAC database. This variant occurs in the RMRP gene, which encodes an RNA molecule that does not result in a protein product. While functional studies for this variant have not been reported, experimental analyses using patient derived cells, as well as in vitro transfection studies, have shown that promoter insertions result in silencing of RMRP transcription and reduced expression of the gene product (PMID: 11207361, 16254002). In summary, the currently available evidence indicates that the variant is pathogenic, but additional data are needed to prove that conclusively. Therefore, this variant has been classified as Likely Pathogenic.

Literature cited by the submitters: PubMed 16244706; PubMed 11207361; PubMed 12107819; PubMed 16254002.

NC_000009.12:g.35658023_35658048dup

Gene: RMRP (RNA component of mitochondrial RNA processing endoribonuclease; minus strand). Cytogenetic location: 9p13.3.
Variant type: Duplication.
Genome position: GRCh38 VCF-style: chr9-35658022-T-TCCTCAGCTTCACAGAGTAGTATTTTA. GRCh37 (hg19) VCF-style: chr9-35658019-T-TCCTCAGCTTCACAGAGTAGTATTTTA.
Identifiers: ClinVar variation 1066041 (VCV001066041.9), dbSNP rs2131809742, ClinGen allele CA2499219890.
Genomic context (GRCh38, chr9:35,658,022, plus strand): 5'-AGGGGAGGAACAGAGTCCTCAGTGTGTAGCCTAGGATACAGGCCTTCAGCACGAACCACG[T>TCCTCAGCTTCACAGAGTAGTATTTTA]CCTCAGCTTCACAGAGTAGTATTTTATAGCCCTAAAGAAATTGTGTTTTATGATTAGGGT-3'